The following is an entry in ClinVar:

ClinVar aggregate classification (germline): Pathogenic/Likely pathogenic. Review status: criteria provided, multiple submitters, no conflicts (2 of 4 stars). 2 submissions from 2 submitters: Pathogenic (1); Likely pathogenic (1). Last evaluated 2025-06-14.

Conditions:
Fanconi anemia complementation group D2. Also called: FANCD2-Related Fanconi Anemia; FANCONI PANCYTOPENIA, TYPE 4; FANCONI ANEMIA, COMPLEMENTATION GROUP D. Identifiers: Orphanet 84, MedGen C3160738, MONDO:0009214, OMIM 227646.
Fanconi anemia (FA). Also called: Fanconi's anemia. Identifiers: Orphanet 84, MedGen C0015625, MeSH D005199, MONDO:0019391.

Allele frequency attached by ClinVar (database versions not stated): TOPMed 0.00002.
gnomAD v4.1: 10 of 1,613,152 alleles (0.00062%); highest among the groups gnomAD compares: East Asian, 0.0022%; no homozygotes.

Submissions (2):

Labcorp Genetics (formerly Invitae), Labcorp
Classification: Pathogenic for Fanconi anemia. Last evaluated: 2025-06-14. Review status: criteria provided, single submitter. Criteria: Invitae Variant Classification Sherloc (09022015). Collection method: clinical testing. Allele origin: germline.
Comment: This sequence change creates a premature translational stop signal (p.Arg530*) in the FANCD2 gene. It is expected to result in an absent or disrupted protein product. Loss-of-function variants in FANCD2 are known to be pathogenic (PMID: 17436244). This variant is present in population databases (no rsID available, gnomAD 0.0009%). This variant has not been reported in the literature in individuals affected with FANCD2-related conditions. ClinVar contains an entry for this variant (Variation ID: 2675528). For these reasons, this variant has been classified as Pathogenic.

Baylor Genetics
Classification: Likely pathogenic for Fanconi anemia complementation group D2. Last evaluated: 2023-12-19. Review status: criteria provided, single submitter. Criteria: ACMG Guidelines, 2015. Collection method: clinical testing. Allele origin: unknown.

Literature cited by the submitters: PubMed 17436244 (cited by Labcorp Genetics (formerly Invitae), Labcorp).

NM_001018115.3(FANCD2):c.1588C>T (p.Arg530Ter)

Genes: FANCD2 (FA complementation group D2; plus strand), LOC107303338 (3p25 FANCD2 Alu-mediated recombination region; plus strand). Cytogenetic location: 3p25.3.
Variant type: single nucleotide variant.
Coding change: c.1588C>T on transcript NM_001018115.3 (MANE Select); coding-DNA position 1588, C replaced by T.
Protein change: p.Arg530Ter; replaces arginine 530 with a stop codon.
Molecular consequence: nonsense. On other transcripts: intron variant (1).
Genome position (GRCh38, 1-based): chr3:10,052,429, C>T. VCF-style: chr3-10052429-C-T. GRCh37 (hg19) VCF-style: chr3-10094113-C-T.
Other names: c.1588C>T, p.Arg530Ter (NM_001319984.2, NM_001374254.1, NM_033084.6); c.1545+2924C>T (NM_001374253.1); short protein forms R530*.
Identifiers: ClinVar variation 2675528 (VCV002675528.5), dbSNP rs962867926, ClinGen allele CA70036698.